The following is an entry in ClinVar:

NM_003200.5(TCF3):c.497T>G (p.Leu166Arg)

Gene: TCF3 (transcription factor 3; minus strand). Cytogenetic location: 19p13.3.
Variant type: single nucleotide variant.
Coding change: c.497T>G on transcript NM_003200.5 (MANE Select); coding-DNA position 497, T replaced by G.
Protein change: p.Leu166Arg; replaces leucine 166 with arginine.
Molecular consequence: missense variant.
Genome position (GRCh38, 1-based): chr19:1,625,578, A>C on the plus strand (T>G on the coding strand, the complement: TCF3 is on the minus strand). VCF-style: chr19-1625578-A-C. GRCh37 (hg19) VCF-style: chr19-1625577-A-C.
Other names: c.497T>G, p.Leu166Arg (NM_001136139.4, NM_001351778.2, NM_001351779.2); short protein forms L166R.
Identifiers: ClinVar variation 4537980 (VCV004537980.1).
Genomic context (GRCh38, chr19:1,625,578, plus strand): 5'-CCTCCCTTTGCAGGCTCCCTCCCAGAAGCCCCCGATGCCCCGGCCAGACCCCGCTCACCT[A>C]GGCTGCCGTCTGCCGCTCTCCGCCGGGAGCTGCCGGAGTAGGAGGGGTAGTACTGGGAGG-3'
Protein context (NP_003191.1, residues 156-176): SSRRRAADGS[Leu166Arg]DTQPKKVRKV

ClinVar aggregate classification (germline): Uncertain significance (1 of 4 stars; one submission).

Submission:

GeneDx
Classification: Uncertain significance. Last evaluated: 2025-06-09. Review status: criteria provided, single submitter. Criteria: GeneDx Variant Classification Process June 2021. Collection method: clinical testing. Allele origin: germline. Affected: yes.
Comment: Not observed at significant frequency in large population cohorts (gnomAD); In silico analysis supports that this missense variant has a deleterious effect on protein structure/function; Has not been previously published as pathogenic or benign to our knowledge